The following is an entry in ClinVar:

NM_006218.4(PIK3CA):c.3145G>T (p.Gly1049Cys)

Gene: PIK3CA (phosphatidylinositol-4,5-bisphosphate 3-kinase catalytic subunit alpha; plus strand). Cytogenetic location: 3q26.32.
Variant type: single nucleotide variant.
Coding change: c.3145G>T on transcript NM_006218.4 (MANE Select); coding-DNA position 3145, G replaced by T.
Protein change: p.Gly1049Cys; replaces glycine 1049 with cysteine.
Molecular consequence: missense variant.
Genome position (GRCh38, 1-based): chr3:179,234,302, G>T. VCF-style: chr3-179234302-G-T. GRCh37 (hg19) VCF-style: chr3-178952090-G-T.
Other names: short protein forms G1049C.
Identifiers: ClinVar variation 1511013 (VCV001511013.7), dbSNP rs121913277, ClinGen allele CA355285853.

ClinVar aggregate classification (germline): Likely pathogenic (1 of 4 stars; one submission).
ClinVar aggregate classification (somatic clinical impact): Tier I - Strong (1 of 4 stars; one submission).

Conditions:
Cowden syndrome (CS). Also called: Cowden's disease; Cowden's syndrome; Cowden disease. Identifiers: Orphanet 201, MedGen C0018553, MONDO:0016063. Disease mechanism: gain of function.
Diffuse pediatric-type high-grade glioma, H3-wildtype and IDH-wildtype. Identifiers: MedGen C5669918, MONDO:0858939.

Submissions (2):

Institute for Genomic Medicine (IGM) Clinical Laboratory, Nationwide Children's Hospital
Classification: Tier I - Strong for Diffuse pediatric-type high-grade glioma, H3-wildtype and IDH-wildtype. Assertion type: diagnostic. Clinical significance: supports diagnosis. Last evaluated: 2024-07-03. Review status: criteria provided, single submitter. Criteria: AMP/ASCO/CAP Guidelines, 2017. Collection method: clinical testing. Allele origin: somatic. Affected: yes.
Comment: Variant has Tier I (strong) clinical significance as a diagnostic inclusion criterion in diffuse pediatric-type high-grade glioma, H3-wildtype and IDH-wildtype, based on the following evidence: 1) Documented in one or more cancer databases (e.g., St. Jude Pecan, COSMIC, CIViC, OncoKB). 2) Appears in one or more well-established professional guidelines (e.g., World Health Organization [WHO]; National Comprehensive Cancer Network [NCCN]) as providing diagnostic, prognostic, or therapeutic information. 3) Diagnostic for a specific tumor type/classification based on well-powered studies with expert-level consensus (Evidence Level B; PMIDs: 28966033, 24705251, 29763623, 28912153, 35332262).

Labcorp Genetics (formerly Invitae), Labcorp
Classification: Likely pathogenic for Cowden syndrome. Last evaluated: 2022-09-01. Review status: criteria provided, single submitter. Criteria: Invitae Variant Classification Sherloc (09022015). Collection method: clinical testing. Allele origin: germline.
Comment: This sequence change replaces glycine, which is neutral and non-polar, with cysteine, which is neutral and slightly polar, at codon 1049 of the PIK3CA protein (p.Gly1049Cys). This variant is not present in population databases (gnomAD no frequency). This variant has not been reported in the literature in individuals affected with PIK3CA-related conditions. ClinVar contains an entry for this variant (Variation ID: 1511013). Advanced modeling of protein sequence and biophysical properties (such as structural, functional, and spatial information, amino acid conservation, physicochemical variation, residue mobility, and thermodynamic stability) performed at Invitae indicates that this missense variant is expected to disrupt PIK3CA protein function. This variant disrupts the p.Gly1049 amino acid residue in PIK3CA. Other variant(s) that disrupt this residue have been determined to be pathogenic (PMID: 22729224). This suggests that this residue is clinically significant, and that variants that disrupt this residue are likely to be disease-causing. In summary, the currently available evidence indicates that the variant is pathogenic, but additional data are needed to prove that conclusively. Therefore, this variant has been classified as Likely Pathogenic.

Literature cited by the submitters: PubMed 28966033 (cited by Institute for Genomic Medicine (IGM) Clinical Laboratory, Nationwide Children's Hospital); PubMed 24705251 (cited by Institute for Genomic Medicine (IGM) Clinical Laboratory, Nationwide Children's Hospital); PubMed 29763623 (cited by Institute for Genomic Medicine (IGM) Clinical Laboratory, Nationwide Children's Hospital); PubMed 28912153 (cited by Institute for Genomic Medicine (IGM) Clinical Laboratory, Nationwide Children's Hospital); PubMed 35332262 (cited by Institute for Genomic Medicine (IGM) Clinical Laboratory, Nationwide Children's Hospital); PubMed 22729224 (cited by Labcorp Genetics (formerly Invitae), Labcorp).